The following is an entry in ClinVar:

NM_000217.3(KCNA1):c.464T>C (p.Leu155Pro)

Gene: KCNA1 (potassium voltage-gated channel subfamily A member 1; plus strand). Cytogenetic location: 12p13.32.
Variant type: single nucleotide variant.
Coding change: c.464T>C on transcript NM_000217.3 (MANE Select); coding-DNA position 464, T replaced by C.
Protein change: p.Leu155Pro; replaces leucine 155 with proline.
Molecular consequence: missense variant.
Genome position (GRCh38, 1-based): chr12:4,911,842, T>C. VCF-style: chr12-4911842-T-C. GRCh37 (hg19) VCF-style: chr12-5021008-T-C.
Other names: short protein forms L155P.
Identifiers: ClinVar variation 5037745 (VCV005037745.1).
Genomic context (GRCh38, chr12:4,911,842, plus strand): 5'-GCTTCATCAAGGAGGAGGAGCGCCCTCTGCCCGAGAAGGAGTACCAGCGCCAGGTGTGGC[T>C]GCTCTTCGAGTACCCCGAGAGCTCGGGGCCCGCCAGGGTCATCGCCATCGTCTCCGTCAT-3'
Protein context (NP_000208.2, residues 145-165): PEKEYQRQVW[Leu155Pro]LFEYPESSGP

ClinVar aggregate classification (germline): Likely pathogenic (1 of 4 stars; one submission).

Submission:

GeneDx
Classification: Likely pathogenic. Last evaluated: 2026-04-16. Review status: criteria provided, single submitter. Criteria: GeneDx Variant Classification Process June 2021. Collection method: clinical testing. Allele origin: germline.
Comment: Published functional studies suggest a damaging effect [p.(L155P) demonstrated impaired channel function in Xenopus oocytes that was restored using pisiferic acid] (PMID: 39793113); Not observed at significant frequency in large population cohorts (gnomAD); In silico analysis supports that this missense variant has a deleterious effect on protein structure/function; This variant is associated with the following publications: (PMID: 36016548, 39793113, 37280215, 37240170, 39099423)